The following is an entry in ClinVar:

NM_021969.3(NR0B2):c.594G>A (p.Val198=)

Genes: NR0B2 (nuclear receptor subfamily 0 group B member 2; minus strand), NUDC (nuclear distribution C, dynein complex regulator; plus strand). Cytogenetic location: 1p36.11.
Variant type: single nucleotide variant.
Coding change: c.594G>A on transcript NM_021969.3 (MANE Select); coding-DNA position 594, G replaced by A.
Protein change: p.Val198=; no amino-acid change (valine 198 retained).
Molecular consequence: synonymous variant.
Genome position (GRCh38, 1-based): chr1:26,912,025, C>T on the plus strand (G>A on the coding strand, the complement: NR0B2 is on the minus strand). VCF-style: chr1-26912025-C-T. GRCh37 (hg19) VCF-style: chr1-27238516-C-T.
Identifiers: ClinVar variation 3345276 (VCV003345276.3).

ClinVar aggregate classification (germline): Likely benign. Review status: criteria provided, single submitter (1 of 4 stars). 2 submissions from 2 submitters: Likely benign (1). 1 of the submissions does not count toward it. Last evaluated 2024-04-25.

Conditions:
NR0B2-related disorder. Also called: NR0B2-related condition.

gnomAD v4.1: 4 of 1,614,074 alleles (0.00025%); no homozygotes.

Submissions (2):

Labcorp Genetics (formerly Invitae), Labcorp
Classification: Likely benign. Last evaluated: 2024-04-25. Review status: criteria provided, single submitter. Criteria: Invitae Variant Classification Sherloc (09022015). Collection method: clinical testing. Allele origin: germline.

PreventionGenetics, part of Exact Sciences
Classification: Likely benign for NR0B2-related condition. Last evaluated: 2024-05-24. Review status: no assertion criteria provided. Collection method: clinical testing. Allele origin: germline. Not counted in ClinVar's aggregate classification.
Comment: This variant is classified as likely benign based on ACMG/AMP sequence variant interpretation guidelines (Richards et al. 2015 PMID: 25741868, with internal and published modifications).